The following is an entry in ClinVar:

ClinVar aggregate classification (germline): Uncertain significance (1 of 4 stars; one submission).

Conditions:
X-linked immunodeficiency with magnesium defect, Epstein-Barr virus infection and neoplasia. Identifiers: Orphanet 317476, MedGen C3275445, MONDO:0010455, OMIM 300853.

Submission:

Labcorp Genetics (formerly Invitae), Labcorp
Classification: Uncertain significance for X-linked immunodeficiency with magnesium defect, Epstein-Barr virus infection and neoplasia. Last evaluated: 2024-11-12. Review status: criteria provided, single submitter. Criteria: Invitae Variant Classification Sherloc (09022015). Collection method: clinical testing. Allele origin: germline.
Comment: This sequence change replaces tryptophan, which is neutral and slightly polar, with cysteine, which is neutral and slightly polar, at codon 268 of the MAGT1 protein (p.Trp268Cys). This variant is not present in population databases (gnomAD no frequency). This variant has not been reported in the literature in individuals affected with MAGT1-related conditions. Invitae Evidence Modeling of protein sequence and biophysical properties (such as structural, functional, and spatial information, amino acid conservation, physicochemical variation, residue mobility, and thermodynamic stability) indicates that this missense variant is expected to disrupt MAGT1 protein function with a positive predictive value of 80%. In summary, the available evidence is currently insufficient to determine the role of this variant in disease. Therefore, it has been classified as a Variant of Uncertain Significance.

NM_001367916.1(MAGT1):c.708G>C (p.Trp236Cys)

Gene: MAGT1 (magnesium transporter 1; minus strand). Cytogenetic location: Xq21.1.
Variant type: single nucleotide variant.
Coding change: c.708G>C on transcript NM_001367916.1 (MANE Select); coding-DNA position 708, G replaced by C.
Protein change: p.Trp236Cys; replaces tryptophan 236 with cysteine.
Molecular consequence: missense variant.
Genome position (GRCh38, 1-based): chrX:77,855,555, C>G on the plus strand (G>C on the coding strand, the complement: MAGT1 is on the minus strand). VCF-style: chrX-77855555-C-G. GRCh37 (hg19) VCF-style: chrX-77111052-C-G.
Other names: c.804G>C, p.Trp268Cys (NM_032121.5); short protein forms W236C, W268C.
Identifiers: ClinVar variation 3719783 (VCV003719783.2).